The following is an entry in ClinVar:

NM_002495.4(NDUFS4):c.351-11_351-8del

Gene: NDUFS4 (NADH:ubiquinone oxidoreductase subunit S4; plus strand). Cytogenetic location: 5q11.2.
Variant type: Deletion.
Coding change: c.351-11_351-8del on transcript NM_002495.4 (MANE Select); 11 bases into the intron before coding-DNA position 351 through 8 bases into the intron before coding-DNA position 351, 4 bases deleted (GTTT; older notation c.351-11_351-8delGTTT).
Molecular consequence: intron variant.
Genome position (GRCh38, 1-based): chr5:53,658,540-53,658,543, GTTT deleted; deleting any 4 consecutive bases within chr5:53,658,537-53,658,543 gives the same sequence; the c. name uses the placement nearest the transcript's 3' end. VCF-style (leftmost placement, unchanged base first): chr5-53658536-ATTTG-A. GRCh37 (hg19) VCF-style: chr5-52954366-ATTTG-A.
Other names: c.350+12135_350+12138del (NM_001318051.2); c.351-11_351-8delGTTT (NM_002495.2).
Identifiers: ClinVar variation 353890 (VCV000353890.39), dbSNP rs375549253, ClinGen allele CA3264288.
Genomic context (GRCh38, chr5:53,658,536, plus strand): 5'-TTTATTTTAAATATTGATTTTGTTTCTCAGCTAAAGCTTAATGTTAAATCTTGGAAAAAA[ATTTG>A]TTTCTTACAGGGCTGATCCCTTATCCAACATGGTTCTAACCTTCAGTACTAAAGAAGATG-3'

ClinVar aggregate classification (germline): Benign/Likely benign. Review status: criteria provided, multiple submitters, no conflicts (2 of 4 stars). 4 submissions from 4 submitters: Benign (1); Likely benign (3). Last evaluated 2026-09-01.

Conditions:
Mitochondrial complex I deficiency. Also called: NADH:Q(1) OXIDOREDUCTASE DEFICIENCY. Identifiers: Orphanet 2609, MedGen C1838979, MeSH C537475, MONDO:0100133.
Leigh syndrome (NULS). Also called: Leigh's syndrome; Subacute necrotizing encephalopathy; Necrotizing encephalopathy infantile subacute of Leigh; Leigh Disease; LEIGH SYNDROME, NUCLEAR; Leigh Syndrome (mtDNA deletion). Identifiers: Orphanet 506, MedGen C2931891, MONDO:0009723, OMIM 256000.

Submissions (26):

CeGaT Center for Human Genetics Tuebingen
Classification: Likely benign. Last evaluated: 2026-09-01. Review status: criteria provided, single submitter. Criteria: CeGaT Center For Human Genetics Tuebingen Variant Classification Criteria Version 2. Collection method: clinical testing. Allele origin: germline. Affected: yes. Observed: 18 variant alleles.
Comment: NDUFS4: BP4, BS2

Labcorp Genetics (formerly Invitae), Labcorp
Classification: Benign. Last evaluated: 2026-01-31. Review status: criteria provided, single submitter. Criteria: Invitae Variant Classification Sherloc (09022015). Collection method: clinical testing. Allele origin: germline.

Blueprint Genetics
Classification: Likely benign. Last evaluated: 2024-11-26. Review status: criteria provided, single submitter. Criteria: ACMG Guidelines, 2015. Collection method: clinical testing. Allele origin: germline.

GeneDx
Classification: Likely benign. Last evaluated: 2021-05-03. Review status: criteria provided, single submitter. Criteria: GeneDx Variant Classification Process June 2021. Collection method: clinical testing. Allele origin: germline. Affected: yes.

Dr. Peter K. Rogan Lab, Western University
No classification provided (evidence only). Condition: Familial cancer of breast. Review status: no classification provided. Collection method: in vitro. Allele origin: not applicable. Functional consequence: skipped exon. Not counted in ClinVar's aggregate classification.

Dr. Peter K. Rogan Lab, Western University
No classification provided (evidence only). Condition: Familial cancer of breast. Review status: no classification provided. Collection method: in vitro. Allele origin: not applicable. Functional consequence: skipped exon. Not counted in ClinVar's aggregate classification.

Dr. Peter K. Rogan Lab, Western University
No classification provided (evidence only). Condition: Cholangiocarcinoma. Review status: no classification provided. Collection method: in vitro. Allele origin: not applicable. Functional consequence: skipped exon, retained intron. Not counted in ClinVar's aggregate classification.

Dr. Peter K. Rogan Lab, Western University
No classification provided (evidence only). Condition: Colon adenocarcinoma. Review status: no classification provided. Collection method: in vitro. Allele origin: not applicable. Functional consequence: skipped exon. Not counted in ClinVar's aggregate classification.

Dr. Peter K. Rogan Lab, Western University
No classification provided (evidence only). Condition: Colon adenocarcinoma. Review status: no classification provided. Collection method: in vitro. Allele origin: not applicable. Functional consequence: skipped exon. Not counted in ClinVar's aggregate classification.

Dr. Peter K. Rogan Lab, Western University
No classification provided (evidence only). Condition: Colon adenocarcinoma. Review status: no classification provided. Collection method: in vitro. Allele origin: not applicable. Functional consequence: skipped exon. Not counted in ClinVar's aggregate classification.

Dr. Peter K. Rogan Lab, Western University
No classification provided (evidence only). Condition: Malignant lymphoma, large B-cell, diffuse. Review status: no classification provided. Collection method: in vitro. Allele origin: not applicable. Functional consequence: skipped exon. Not counted in ClinVar's aggregate classification.

Dr. Peter K. Rogan Lab, Western University
No classification provided (evidence only). Condition: Nonpapillary renal cell carcinoma. Review status: no classification provided. Collection method: in vitro. Allele origin: not applicable. Functional consequence: skipped exon. Not counted in ClinVar's aggregate classification.

Dr. Peter K. Rogan Lab, Western University
No classification provided (evidence only). Condition: Clear cell carcinoma of kidney. Review status: no classification provided. Collection method: in vitro. Allele origin: not applicable. Functional consequence: skipped exon. Not counted in ClinVar's aggregate classification.

Dr. Peter K. Rogan Lab, Western University
No classification provided (evidence only). Condition: Clear cell carcinoma of kidney. Review status: no classification provided. Collection method: in vitro. Allele origin: not applicable. Functional consequence: skipped exon. Not counted in ClinVar's aggregate classification.

Dr. Peter K. Rogan Lab, Western University
No classification provided (evidence only). Condition: Clear cell carcinoma of kidney. Review status: no classification provided. Collection method: in vitro. Allele origin: not applicable. Functional consequence: skipped exon. Not counted in ClinVar's aggregate classification.

Dr. Peter K. Rogan Lab, Western University
No classification provided (evidence only). Condition: Colorectal cancer. Review status: no classification provided. Collection method: in vitro. Allele origin: not applicable. Functional consequence: skipped exon. Not counted in ClinVar's aggregate classification.

Dr. Peter K. Rogan Lab, Western University
No classification provided (evidence only). Condition: Colorectal cancer. Review status: no classification provided. Collection method: in vitro. Allele origin: not applicable. Functional consequence: skipped exon. Not counted in ClinVar's aggregate classification.

Dr. Peter K. Rogan Lab, Western University
No classification provided (evidence only). Condition: Colorectal cancer. Review status: no classification provided. Collection method: in vitro. Allele origin: not applicable. Functional consequence: skipped exon. Not counted in ClinVar's aggregate classification.

Dr. Peter K. Rogan Lab, Western University
No classification provided (evidence only). Condition: Colorectal cancer. Review status: no classification provided. Collection method: in vitro. Allele origin: not applicable. Functional consequence: skipped exon. Not counted in ClinVar's aggregate classification.

Dr. Peter K. Rogan Lab, Western University
No classification provided (evidence only). Condition: Uveal melanoma. Review status: no classification provided. Collection method: in vitro. Allele origin: not applicable. Functional consequence: skipped exon, retained intron. Not counted in ClinVar's aggregate classification.

Dr. Peter K. Rogan Lab, Western University
No classification provided (evidence only). Condition: Uveal melanoma. Review status: no classification provided. Collection method: in vitro. Allele origin: not applicable. Functional consequence: skipped exon. Not counted in ClinVar's aggregate classification.

Dr. Peter K. Rogan Lab, Western University
No classification provided (evidence only). Condition: Malignant tumor of esophagus. Review status: no classification provided. Collection method: in vitro. Allele origin: not applicable. Functional consequence: skipped exon. Not counted in ClinVar's aggregate classification.

Dr. Peter K. Rogan Lab, Western University
No classification provided (evidence only). Condition: Nonpapillary renal cell carcinoma. Review status: no classification provided. Collection method: in vitro. Allele origin: not applicable. Functional consequence: skipped exon, retained intron. Not counted in ClinVar's aggregate classification.

Dr. Peter K. Rogan Lab, Western University
No classification provided (evidence only). Condition: Familial pancreatic carcinoma. Review status: no classification provided. Collection method: in vitro. Allele origin: not applicable. Functional consequence: skipped exon, retained intron. Not counted in ClinVar's aggregate classification.

Dr. Peter K. Rogan Lab, Western University
No classification provided (evidence only). Condition: Lymphoma. Review status: no classification provided. Collection method: in vitro. Allele origin: not applicable. Functional consequence: skipped exon. Not counted in ClinVar's aggregate classification.

Dr. Peter K. Rogan Lab, Western University
No classification provided (evidence only). Condition: Lymphoma. Review status: no classification provided. Collection method: in vitro. Allele origin: not applicable. Functional consequence: skipped exon. Not counted in ClinVar's aggregate classification.